The following is an entry in ClinVar:

ClinVar aggregate classification (germline): Uncertain significance (1 of 4 stars; one submission).

Conditions:
Inborn genetic diseases. Identifiers: MedGen C0950123, MeSH D030342.

gnomAD v4.1: 1 of 1,613,638 alleles (0.000062%); highest among the groups gnomAD compares: African/African-American, 0.0013%; no homozygotes.

Submission:

Ambry Genetics
Classification: Uncertain significance for Inborn genetic diseases. Last evaluated: 2025-10-21. Review status: criteria provided, single submitter. Criteria: Ambry Variant Classification Scheme 2023. Collection method: clinical testing. Allele origin: germline.
Comment: The c.1250-3A>T intronic variant results from an A to T substitution 3 nucleotides upstream from coding exon 8 in the WT1 gene. This nucleotide position is well conserved in available vertebrate species. In silico splice site analysis predicts that this alteration will not have any significant effect on splicing. Based on the available evidence, the clinical significance of this variant remains unclear.

NM_024426.6(WT1):c.1265-3A>T

Gene: WT1 (WT1 transcription factor; minus strand). Cytogenetic location: 11p13.
Variant type: single nucleotide variant.
Coding change: c.1265-3A>T on transcript NM_024426.6 (MANE Select); 3 bases into the intron before coding-DNA position 1265, A replaced by T.
Molecular consequence: intron variant.
Genome position (GRCh38, 1-based): chr11:32,392,758, T>A on the plus strand (A>T on the coding strand, the complement: WT1 is on the minus strand). VCF-style: chr11-32392758-T-A. GRCh37 (hg19) VCF-style: chr11-32414304-T-A.
Other names: c.1091-3A>T (NM_001407050.1); c.1142-3A>T (NM_001407047.1); c.1214-694A>T (NM_001407048.1); c.1214-3A>T (NM_001407049.1, NM_000378.6, NM_001407045.1); c.1259-3A>T (NM_001407044.1); c.1265-3A>T (NM_001407046.1, NM_024424.5); c.995-3A>T (NM_001429034.1, NM_001429033.1); c.1046-3A>T (NM_001429032.1, NM_001429031.1); and 4 more.
Identifiers: ClinVar variation 4634856 (VCV004634856.1).
Genomic context (GRCh38, chr11:32,392,758, plus strand): 5'-TCTGAACGAGAAAACCTTCGTTCACAGTCCTTGAAGTCACACTGGTATGGTTTCTCACCT[T>A]GGGGAAGACACATATTCTATTTGAAAATGATACTGGAAAAGGGGATCTCATTAAAGGCAA-3'